The following is an entry in ClinVar:

NM_080425.4(GNAS):c.402C>T (p.Phe134=)

Gene: GNAS (GNAS complex locus; plus strand). Cytogenetic location: 20q13.32.
Variant type: single nucleotide variant.
Coding change: c.402C>T on transcript NM_080425.4 (MANE Plus Clinical); coding-DNA position 402, C replaced by T.
Protein change: p.Phe134=; no amino-acid change (phenylalanine 134 retained).
Molecular consequence: synonymous variant. On other transcripts: missense variant (2), intron variant (3).
Genome position (GRCh38, 1-based): chr20:58,853,667, C>T. VCF-style: chr20-58853667-C-T. GRCh37 (hg19) VCF-style: chr20-57428722-C-T.
Other names: c.215C>T, p.Ser72Leu (NM_001077490.3, NM_001309883.1); c.402C>T, p.Phe134= (NM_001410913.1); c.*42+12781C>T (NM_016592.5); c.43+12781C>T (NM_001410912.1); c.-39+11792C>T (NM_001309861.2); short protein forms S72L.
Identifiers: ClinVar variation 4989843 (VCV004989843.1).

ClinVar aggregate classification (germline): Uncertain significance (1 of 4 stars; one submission).

Conditions:
GNAS-related disorder. Identifiers: MedGen CN380105.

gnomAD v4.1: 11 of 1,613,494 alleles (0.00068%); highest among the groups gnomAD compares: Middle Eastern, 0.016%; no homozygotes.

Submission:

PreventionGenetics, part of Exact Sciences
Classification: Uncertain significance for GNAS-related condition. Last evaluated: 2026-03-13. Review status: criteria provided, single submitter. Criteria: ACMG Guidelines, 2015. Collection method: clinical testing. Allele origin: germline.
Comment: The GNAS c.215C>T variant is predicted to result in the amino acid substitution p.Ser72Leu. To our knowledge, this variant has not been reported in the literature. This variant is reported in 0.0042% of alleles in individuals of African descent in gnomAD. At this time, the clinical significance of this variant is uncertain due to the absence of conclusive functional and genetic evidence.